The following is an entry in ClinVar:

ClinVar aggregate classification (germline): Uncertain significance (1 of 4 stars; one submission).

Conditions:
Epidermolysis bullosa simplex with nail dystrophy (EBS5D). Identifiers: MedGen C4225309, MONDO:0014661, OMIM 616487.
Epidermolysis bullosa simplex, Ogna type (EBS5A). Also called: EPIDERMOLYSIS BULLOSA SIMPLEX 5A, OGNA TYPE; Pidermolysis bullosa simplex 5A, Ogna type. Identifiers: Orphanet 79401, MedGen C0432317, MONDO:0007555, OMIM 131950.
Autosomal recessive limb-girdle muscular dystrophy type 2Q (LGMDR17). Also called: MUSCULAR DYSTROPHY, LIMB-GIRDLE, AUTOSOMAL RECESSIVE 17. Identifiers: Orphanet 254361, MedGen C3150989, MONDO:0013390, OMIM 613723.
Epidermolysis bullosa simplex 5B, with muscular dystrophy (EBS5B). Also called: EPIDERMOLYSIS BULLOSA SIMPLEX AND LIMB-GIRDLE MUSCULAR DYSTROPHY; Epidermolysis bullosa simplex with muscular dystrophy. Identifiers: Orphanet 257, MedGen C2931072, MONDO:0009181, OMIM 226670.
Epidermolysis bullosa simplex 5C, with pyloric atresia (EBS5C). Also called: PLEC-Related Epidermolysis Bullosa with Pyloric Atresia; Epidermolysis bullosa simplex with pyloric atresia; PLEC1-Related Epidermolysis Bullosa with Pyloric Atresia. Identifiers: Orphanet 158684, MedGen C2677349, MONDO:0012807, OMIM 612138.

gnomAD v4.1: 5 of 1,591,256 alleles (0.00031%); highest among the groups gnomAD compares: Admixed American, 0.0084%; no homozygotes.

Submission:

Labcorp Genetics (formerly Invitae), Labcorp
Classification: Uncertain significance for Autosomal recessive limb-girdle muscular dystrophy type 2Q; Epidermolysis bullosa simplex, Ogna type; Epidermolysis bullosa simplex with nail dystrophy; Epidermolysis bullosa simplex 5C, with pyloric atresia; Epidermolysis bullosa simplex 5B, with muscular dystrophy. Last evaluated: 2025-09-26. Review status: criteria provided, single submitter. Criteria: Invitae Variant Classification Sherloc (09022015). Collection method: clinical testing. Allele origin: germline.
Comment: This sequence change replaces threonine, which is neutral and polar, with arginine, which is basic and polar, at codon 3885 of the PLEC protein (p.Thr3885Arg). This variant is present in population databases (no rsID available, gnomAD 0.009%). This variant has not been reported in the literature in individuals affected with PLEC-related conditions. An algorithm developed to predict the effect of missense changes on protein structure and function (PolyPhen-2) suggests that this variant is likely to be disruptive. In summary, the available evidence is currently insufficient to determine the role of this variant in disease. Therefore, it has been classified as a Variant of Uncertain Significance.

NM_201384.3(PLEC):c.11573C>G (p.Thr3858Arg)

Gene: PLEC (plectin; minus strand). Cytogenetic location: 8q24.3.
Variant type: single nucleotide variant.
Coding change: c.11573C>G on transcript NM_201384.3 (MANE Select); coding-DNA position 11573, C replaced by G.
Protein change: p.Thr3858Arg; replaces threonine 3858 with arginine.
Molecular consequence: missense variant.
Genome position (GRCh38, 1-based): chr8:143,918,248, G>C on the plus strand (C>G on the coding strand, the complement: PLEC is on the minus strand). VCF-style: chr8-143918248-G-C. GRCh37 (hg19) VCF-style: chr8-144992416-G-C.
Other names: c.11654C>G, p.Thr3885Arg (NM_000445.5); c.8273C>G, p.Thr2758Arg (NM_001410941.1); c.11531C>G, p.Thr3844Arg (NM_201378.4); c.11507C>G, p.Thr3836Arg (NM_201379.3); c.11984C>G, p.Thr3995Arg (NM_201380.4); c.11477C>G, p.Thr3826Arg (NM_201381.3); c.11573C>G, p.Thr3858Arg (NM_201382.4); c.11585C>G, p.Thr3862Arg (NM_201383.3); short protein forms T2758R, T3844R, T3862R, T3995R, T3858R, T3826R, T3836R, T3885R.
Identifiers: ClinVar variation 4788376 (VCV004788376.1).